The following is an entry in ClinVar:

NM_002435.3(MPI):c.527C>T (p.Ala176Val)

Gene: MPI (mannose phosphate isomerase; plus strand). Cytogenetic location: 15q24.1.
Variant type: single nucleotide variant.
Coding change: c.527C>T on transcript NM_002435.3 (MANE Select); coding-DNA position 527, C replaced by T.
Protein change: p.Ala176Val; replaces alanine 176 with valine.
Molecular consequence: missense variant. On other transcripts: intron variant (1).
Genome position (GRCh38, 1-based): chr15:74,893,177, C>T. VCF-style: chr15-74893177-C-T. GRCh37 (hg19) VCF-style: chr15-75185518-C-T.
Other names: c.527C>T, p.Ala176Val (NM_001289155.2); c.377C>T, p.Ala126Val (NM_001289156.2); c.467C>T, p.Ala156Val (NM_001330372.2); c.487+375C>T (NM_001289157.2); short protein forms A156V, A176V, A126V.
Identifiers: ClinVar variation 951702 (VCV000951702.10), dbSNP rs1256364766, ClinGen allele CA393174224.
Genomic context (GRCh38, chr15:74,893,177, plus strand): 5'-CTGGGCCTTGCCTTCCTGTAGAGGTGCCTGAGTTTCAGTTCCTGATTGGAGATGAGGCAG[C>T]AACACACCTGAAGCAGACCATGAGCCATGACTCCCAGGCTGTGGCCTCCTCTCTGCAGAG-3'
Protein context (NP_002426.1, residues 166-186): EFQFLIGDEA[Ala176Val]THLKQTMSHD

ClinVar aggregate classification (germline): Uncertain significance. Review status: criteria provided, single submitter (1 of 4 stars). 2 submissions from 2 submitters: Uncertain significance (1). 1 of the submissions does not count toward it. Last evaluated 2021-09-01.

Conditions:
MPI-congenital disorder of glycosylation. Also called: MANNOSEPHOSPHATE ISOMERASE DEFICIENCY; PROTEIN-LOSING ENTEROPATHY-HEPATIC FIBROSIS SYNDROME; MPI-CDG; CONGENITAL DISORDER OF GLYCOSYLATION, TYPE Ib; CDG Ib; MPI DEFICIENCY. Identifiers: Orphanet 79319, MedGen C1865145, MONDO:0011257, OMIM 602579.

Allele frequency attached by ClinVar (database versions not stated): gnomAD exomes below 0.00001.
gnomAD v4.1: 3 of 1,614,036 alleles (0.00019%); highest among the groups gnomAD compares: African/African-American, 0.004%; no homozygotes.

Submissions (2):

Labcorp Genetics (formerly Invitae), Labcorp
Classification: Uncertain significance for MPI-congenital disorder of glycosylation. Last evaluated: 2021-09-01. Review status: criteria provided, single submitter. Criteria: Invitae Variant Classification Sherloc (09022015). Collection method: clinical testing. Allele origin: germline.
Comment: This sequence change replaces alanine with valine at codon 176 of the MPI protein (p.Ala176Val). The alanine residue is weakly conserved and there is a small physicochemical difference between alanine and valine. This variant is not present in population databases (ExAC no frequency). This variant has not been reported in the literature in individuals affected with MPI-related conditions. Algorithms developed to predict the effect of missense changes on protein structure and function output the following: SIFT: "Tolerated"; PolyPhen-2: "Benign"; Align-GVGD: "Class C0". The valine amino acid residue is found in multiple mammalian species, which suggests that this missense change does not adversely affect protein function. In summary, the available evidence is currently insufficient to determine the role of this variant in disease. Therefore, it has been classified as a Variant of Uncertain Significance.

Natera, Inc.
Classification: Uncertain significance for Congenital disorder of glycosylation type 1b. Last evaluated: 2020-02-13. Review status: no assertion criteria provided. Collection method: clinical testing. Allele origin: germline. Not counted in ClinVar's aggregate classification.